The following is an entry in ClinVar:

NM_207391.3(RGS9BP):c.365C>G (p.Ser122Cys)

Gene: RGS9BP (regulator of G protein signaling 9 binding protein; plus strand). Cytogenetic location: 19q13.11.
Variant type: single nucleotide variant.
Coding change: c.365C>G on transcript NM_207391.3 (MANE Select); coding-DNA position 365, C replaced by G.
Protein change: p.Ser122Cys; replaces serine 122 with cysteine.
Molecular consequence: missense variant.
Genome position (GRCh38, 1-based): chr19:32,676,628, C>G. VCF-style: chr19-32676628-C-G. GRCh37 (hg19) VCF-style: chr19-33167534-C-G.
Other names: short protein forms S122C.
Identifiers: ClinVar variation 522947 (VCV000522947.15), dbSNP rs749927570, ClinGen allele CA9357532.
Genomic context (GRCh38, chr19:32,676,628, plus strand): 5'-CGTTCCCGCTGCACGCGCCGCGGCGGCCGCTGGTGCGCACAGGTGTGGCTGGCGCCTCCT[C>G]CGGCGTGGCGGCGCGCGCGCTGAGCACCCGCAGCCTGCGGCTCGAGGCGGAGGGCGACTT-3'
Protein context (NP_997274.2, residues 112-132): LVRTGVAGAS[Ser122Cys]GVAARALSTR

ClinVar aggregate classification (germline): Uncertain significance. Review status: criteria provided, multiple submitters, no conflicts (2 of 4 stars). 7 submissions from 7 submitters: Uncertain significance (5). 2 of the submissions do not count toward it. Last evaluated 2024-09-26.

Conditions:
Retinal dystrophy. Also called: Inherited retinal dystrophy. Identifiers: Orphanet 71862, MedGen C0854723, MeSH D058499, MONDO:0019118, HP:0000556.
Bradyopsia. Identifiers: Orphanet 75374, MedGen C1842073, MONDO:0012033, HP:0030511.

Allele frequency attached by ClinVar (database versions not stated): TOPMed 0.00002; gnomAD 0.00003; gnomAD exomes 0.00008; ExAC 0.00010.
gnomAD v4.1: 56 of 1,530,594 alleles (0.0037%); highest among the groups gnomAD compares: South Asian, 0.042%; no homozygotes.

Submissions (7):

Blueprint Genetics
Classification: Uncertain significance. Last evaluated: 2024-09-26. Review status: criteria provided, single submitter. Criteria: ACMG Guidelines, 2015. Collection method: clinical testing. Allele origin: germline.

Labcorp Genetics (formerly Invitae), Labcorp
Classification: Uncertain significance. Last evaluated: 2022-10-13. Review status: criteria provided, single submitter. Criteria: Invitae Variant Classification Sherloc (09022015). Collection method: clinical testing. Allele origin: germline.
Comment: This sequence change replaces serine, which is neutral and polar, with cysteine, which is neutral and slightly polar, at codon 122 of the RGS9BP protein (p.Ser122Cys). This variant is present in population databases (rs749927570, gnomAD 0.05%). This variant has not been reported in the literature in individuals affected with RGS9BP-related conditions. ClinVar contains an entry for this variant (Variation ID: 522947). Algorithms developed to predict the effect of missense changes on protein structure and function are either unavailable or do not agree on the potential impact of this missense change (SIFT: "Deleterious"; PolyPhen-2: "Possibly Damaging"; Align-GVGD: "Class C0"). In summary, the available evidence is currently insufficient to determine the role of this variant in disease. Therefore, it has been classified as a Variant of Uncertain Significance.

Fulgent Genetics
Classification: Uncertain significance for Prolonged electroretinal response suppression 1. Last evaluated: 2022-01-05. Review status: criteria provided, single submitter. Criteria: ACMG Guidelines, 2015. Collection method: clinical testing. Allele origin: unknown.

Institute of Human Genetics, Univ. Regensburg, Univ. Regensburg
Classification: Uncertain significance for Retinal dystrophy. Last evaluated: 2022-01-01. Review status: criteria provided, single submitter. Criteria: ACMG Guidelines, 2015. Collection method: clinical testing. Allele origin: germline. Affected: yes.

Genomic Research Center, Shahid Beheshti University of Medical Sciences
Classification: Uncertain significance for Bradyopsia. Last evaluated: 2020-05-03. Review status: criteria provided, single submitter. Criteria: ACMG Guidelines, 2015. Collection method: clinical testing. Allele origin: unknown. Affected: yes.

Clinical Genetics DNA and cytogenetics Diagnostics Lab, Erasmus MC, Erasmus Medical Center
Classification: Uncertain significance. Review status: no assertion criteria provided. Collection method: clinical testing. Allele origin: germline. Affected: yes. Study: VKGL Data-share Consensus. Not counted in ClinVar's aggregate classification.

Clinical Genetics, Academic Medical Center
Classification: Uncertain significance. Review status: no assertion criteria provided. Collection method: clinical testing. Allele origin: germline. Affected: yes. Study: VKGL Data-share Consensus. Not counted in ClinVar's aggregate classification.

Literature cited by the submitters: PubMed 31589614 (cited by Institute of Human Genetics, Univ. Regensburg, Univ. Regensburg).